The following is an entry in ClinVar:

ClinVar aggregate classification (germline): Benign. Review status: criteria provided, multiple submitters, no conflicts (2 of 4 stars). 3 submissions from 3 submitters: Benign (2). 1 of the submissions does not count toward it. Last evaluated 2019-12-31.

Conditions:
MED13-related disorder. Also called: MED13-related condition.

Allele frequency attached by ClinVar (database versions not stated): gnomAD exomes 0.00075 and 0.00201; ExAC 0.00241; gnomAD 0.00728 and 0.00784; TOPMed 0.00801; ESP Exome Variant Server 0.00847; 1000 Genomes Project 0.00879; 1000 Genomes Project 30x 0.00906.
gnomAD v4.1: 2,231 of 1,613,942 alleles (0.14%); highest among the groups gnomAD compares: African/African-American, 2.6%; 30 homozygotes.

Submissions (3):

Labcorp Genetics (formerly Invitae), Labcorp
Classification: Benign. Last evaluated: 2019-12-31. Review status: criteria provided, single submitter. Criteria: Invitae Variant Classification Sherloc (09022015). Collection method: clinical testing. Allele origin: germline.

Breakthrough Genomics
Classification: Benign. Review status: criteria provided, single submitter. Criteria: ACMG Guidelines, 2015. Collection method: not provided. Allele origin: germline. Inheritance: Autosomal dominant inheritance. Affected: yes.

PreventionGenetics, part of Exact Sciences
Classification: Benign for MED13-related condition. Last evaluated: 2019-06-06. Review status: no assertion criteria provided. Collection method: clinical testing. Allele origin: germline. Not counted in ClinVar's aggregate classification.
Comment: This variant is classified as benign based on ACMG/AMP sequence variant interpretation guidelines (Richards et al. 2015 PMID: 25741868, with internal and published modifications).

NM_005121.3(MED13):c.283A>G (p.Ile95Val)

Gene: MED13 (mediator complex subunit 13; minus strand). Cytogenetic location: 17q23.2.
Variant type: single nucleotide variant.
Coding change: c.283A>G on transcript NM_005121.3 (MANE Select); coding-DNA position 283, A replaced by G.
Protein change: p.Ile95Val; replaces isoleucine 95 with valine.
Molecular consequence: missense variant.
Genome position (GRCh38, 1-based): chr17:62,063,085, T>C on the plus strand (A>G on the coding strand, the complement: MED13 is on the minus strand). VCF-style: chr17-62063085-T-C. GRCh37 (hg19) VCF-style: chr17-60140446-T-C.
Other names: short protein forms I95V.
Identifiers: ClinVar variation 712855 (VCV000712855.7), dbSNP rs35435022, ClinGen allele CA8693362.